The following is an entry in ClinVar:

NM_006662.3(SRCAP):c.4841C>T (p.Pro1614Leu)

Gene: SRCAP (Snf2 related CREBBP activator protein; plus strand). Cytogenetic location: 16p11.2.
Variant type: single nucleotide variant.
Coding change: c.4841C>T on transcript NM_006662.3 (MANE Select); coding-DNA position 4841, C replaced by T.
Protein change: p.Pro1614Leu; replaces proline 1614 with leucine.
Molecular consequence: missense variant.
Genome position (GRCh38, 1-based): chr16:30,724,265, C>T. VCF-style: chr16-30724265-C-T. GRCh37 (hg19) VCF-style: chr16-30735586-C-T.
Other names: short protein forms P1614L.
Identifiers: ClinVar variation 3679916 (VCV003679916.2).

ClinVar aggregate classification (germline): Uncertain significance (1 of 4 stars; one submission).

gnomAD v4.1: 5 of 1,614,160 alleles (0.00031%); highest among the groups gnomAD compares: Middle Eastern, 0.016%; no homozygotes.

Submission:

Labcorp Genetics (formerly Invitae), Labcorp
Classification: Uncertain significance. Last evaluated: 2024-10-08. Review status: criteria provided, single submitter. Criteria: Invitae Variant Classification Sherloc (09022015). Collection method: clinical testing. Allele origin: germline.
Comment: This sequence change replaces proline, which is neutral and non-polar, with leucine, which is neutral and non-polar, at codon 1614 of the SRCAP protein (p.Pro1614Leu). This variant is present in population databases (rs748754994, gnomAD 0.003%). This variant has not been reported in the literature in individuals affected with SRCAP-related conditions. Invitae Evidence Modeling of protein sequence and biophysical properties (such as structural, functional, and spatial information, amino acid conservation, physicochemical variation, residue mobility, and thermodynamic stability) indicates that this missense variant is not expected to disrupt SRCAP protein function with a negative predictive value of 80%. In summary, the available evidence is currently insufficient to determine the role of this variant in disease. Therefore, it has been classified as a Variant of Uncertain Significance.